The following is an entry in ClinVar:

ClinVar aggregate classification (germline): Uncertain significance (1 of 4 stars; one submission).

Conditions:
Frontotemporal dementia and/or amyotrophic lateral sclerosis 1 (FTDALS1). Also called: Frontotemporal dementia with motor neuron disease 1; C9orf72 Frontotemporal Dementia and/or Amyotrophic Lateral Sclerosis. Identifiers: Orphanet 275872, MedGen C5779877, MONDO:0007105, OMIM 105550.
Paget disease of bone 2, early-onset (PDB2). Also called: Paget disease of bone 2. Identifiers: MedGen C4085251, MONDO:0011183, OMIM 602080.

Submission:

Labcorp Genetics (formerly Invitae), Labcorp
Classification: Uncertain significance for Paget disease of bone 2, early-onset; Frontotemporal dementia and/or amyotrophic lateral sclerosis 1. Last evaluated: 2024-06-25. Review status: criteria provided, single submitter. Criteria: Invitae Variant Classification Sherloc (09022015). Collection method: clinical testing. Allele origin: germline.
Comment: This sequence change replaces arginine, which is basic and polar, with histidine, which is basic and polar, at codon 22 of the SQSTM1 protein (p.Arg22His). This variant is not present in population databases (gnomAD no frequency). This variant has not been reported in the literature in individuals affected with SQSTM1-related conditions. Advanced modeling of protein sequence and biophysical properties (such as structural, functional, and spatial information, amino acid conservation, physicochemical variation, residue mobility, and thermodynamic stability) performed at Invitae indicates that this missense variant is expected to disrupt SQSTM1 protein function with a positive predictive value of 80%. In summary, the available evidence is currently insufficient to determine the role of this variant in disease. Therefore, it has been classified as a Variant of Uncertain Significance.

NM_003900.5(SQSTM1):c.65G>A (p.Arg22His)

Gene: SQSTM1 (sequestosome 1; plus strand). Cytogenetic location: 5q35.3.
Variant type: single nucleotide variant.
Coding change: c.65G>A on transcript NM_003900.5 (MANE Select); coding-DNA position 65, G replaced by A.
Protein change: p.Arg22His; replaces arginine 22 with histidine.
Molecular consequence: missense variant. On other transcripts: intron variant (2).
Genome position (GRCh38, 1-based): chr5:179,821,001, G>A. VCF-style: chr5-179821001-G-A. GRCh37 (hg19) VCF-style: chr5-179248001-G-A.
Other names: c.-47-1957G>A (NM_001142298.2, NM_001142299.2); short protein forms R22H.
Identifiers: ClinVar variation 3756980 (VCV003756980.2).